The following is an entry in ClinVar:

ClinVar aggregate classification (germline): Uncertain significance (1 of 4 stars; one submission).

Conditions:
Spondylocarpotarsal synostosis syndrome (SCT). Also called: SPONDYLOCARPOTARSAL SYNDROME; VERTEBRAL FUSION WITH CARPAL COALITION; Spondylocarpotarsal Synostosis Syndrome (FLNB-SCT); Synspondylism congenital; Scoliosis, congenital with unilateral unsegmented bar. Identifiers: Orphanet 3275, MedGen C1848934, MONDO:0010094, OMIM 272460.
Boomerang dysplasia. Identifiers: Orphanet 1263, MedGen C0432201, MONDO:0007208, OMIM 112310.
Atelosteogenesis type I. Also called: SPONDYLOHUMEROFEMORAL HYPOPLASIA; GIANT CELL CHONDRODYSPLASIA; Atelosteogenesis Type 1 (FLNB-AO1). Identifiers: Orphanet 1190, MedGen C0265283, MONDO:0007167, OMIM 108720.
Atelosteogenesis type III. Also called: Atelosteogenesis Type 3 (FLNB-AO3). Identifiers: Orphanet 56305, MedGen C3668942, MONDO:0007168, OMIM 108721.
Larsen syndrome (LRS). Also called: Larsen syndrome (FLNB-LS); Bilateral dislocation of the knees, pes cavus, cylindrically shaped fingers and characteristic facies. Identifiers: Orphanet 503, MedGen C0175778, MONDO:0007875, OMIM 150250. Disease mechanism: loss of function.

gnomAD v4.1: 6 of 1,614,056 alleles (0.00037%); highest among the groups gnomAD compares: East Asian, 0.013%; no homozygotes.

Submission:

Juno Genomics, Hangzhou Juno Genomics, Inc
Classification: Uncertain significance for Spondylocarpotarsal synostosis syndrome; Atelosteogenesis type I; Atelosteogenesis type III; Boomerang dysplasia; Larsen syndrome. Review status: criteria provided, single submitter. Criteria: ACMG Guidelines, 2015. Collection method: clinical testing. Allele origin: germline.
Comment: Missense variant in a gene that has a low rate of benign missense variation.;Multiple lines of computational evidence support a deleterious effect on the gene or gene product.;Absent from controls (or at extremely low frequency if recessive) in Genome Aggregation Database.

NM_001457.4(FLNB):c.7757A>G (p.Lys2586Arg)

Gene: FLNB (filamin B; plus strand). Cytogenetic location: 3p14.3.
Variant type: single nucleotide variant.
Coding change: c.7757A>G on transcript NM_001457.4 (MANE Select); coding-DNA position 7757, A replaced by G.
Protein change: p.Lys2586Arg; replaces lysine 2586 with arginine.
Molecular consequence: missense variant.
Genome position (GRCh38, 1-based): chr3:58,170,710, A>G. VCF-style: chr3-58170710-A-G. GRCh37 (hg19) VCF-style: chr3-58156437-A-G.
Other names: c.7850A>G, p.Lys2617Arg (NM_001164317.2); c.7724A>G, p.Lys2575Arg (NM_001164318.2); c.7685A>G, p.Lys2562Arg (NM_001164319.2); short protein forms K2575R, K2586R, K2562R, K2617R.
Identifiers: ClinVar variation 5006691 (VCV005006691.2).